The following is an entry in ClinVar:

ClinVar aggregate classification (germline): Likely benign. Review status: criteria provided, multiple submitters, no conflicts (2 of 4 stars). 4 submissions from 4 submitters: Likely benign (3). 1 of the submissions does not count toward it. Last evaluated 2025-08-26.

Conditions:
Hereditary cancer-predisposing syndrome. Also called: Neoplastic Syndromes, Hereditary; Hereditary Cancer Syndrome; Tumor predisposition; Hereditary neoplastic syndrome. Identifiers: Orphanet 140162, MedGen C0027672, MeSH D009386, MONDO:0015356.
Carney complex, type 1 (CNC1). Also called: CARNEY COMPLEX, TYPE I; CARNEY MYXOMA-ENDOCRINE COMPLEX. Identifiers: Orphanet 1359, MedGen C2607929, MONDO:0008057, OMIM 160980.
PRKAR1A-related disorder. Also called: PRKAR1A-related condition.

Allele frequency attached by ClinVar (database versions not stated): TOPMed below 0.00001; ExAC 0.00001; gnomAD exomes 0.00001; gnomAD 0.00003.
gnomAD v4.1: 17 of 1,613,598 alleles (0.0011%); highest among the groups gnomAD compares: African/African-American, 0.0013%; no homozygotes.

Submissions (4):

Labcorp Genetics (formerly Invitae), Labcorp
Classification: Likely benign for Carney complex, type 1. Last evaluated: 2025-08-26. Review status: criteria provided, single submitter. Criteria: Invitae Variant Classification Sherloc (09022015). Collection method: clinical testing. Allele origin: germline.

Women's Health and Genetics/Laboratory Corporation of America, LabCorp
Classification: Likely benign. Last evaluated: 2021-05-02. Review status: criteria provided, single submitter. Criteria: LabCorp Variant Classification Summary - May 2015. Collection method: clinical testing. Allele origin: germline.

Ambry Genetics
Classification: Likely benign for Hereditary cancer-predisposing syndrome. Last evaluated: 2018-09-28. Review status: criteria provided, single submitter. Criteria: Ambry Variant Classification Scheme 2023. Collection method: clinical testing. Allele origin: germline.

PreventionGenetics, part of Exact Sciences
Classification: Likely benign for PRKAR1A-related condition. Last evaluated: 2022-05-24. Review status: no assertion criteria provided. Collection method: clinical testing. Allele origin: germline. Not counted in ClinVar's aggregate classification.
Comment: This variant is classified as likely benign based on ACMG/AMP sequence variant interpretation guidelines (Richards et al. 2015 PMID: 25741868, with internal and published modifications).

NM_002734.5(PRKAR1A):c.378C>T (p.Ala126=)

Gene: PRKAR1A (protein kinase cAMP-dependent type I regulatory subunit alpha; plus strand). Cytogenetic location: 17q24.2.
Variant type: single nucleotide variant.
Coding change: c.378C>T on transcript NM_002734.5 (MANE Select); coding-DNA position 378, C replaced by T.
Protein change: p.Ala126=; no amino-acid change (alanine 126 retained).
Molecular consequence: synonymous variant.
Genome position (GRCh38, 1-based): chr17:68,523,754, C>T. VCF-style: chr17-68523754-C-T. GRCh37 (hg19) VCF-style: chr17-66519895-C-T.
Other names: c.378C>T, p.Ala126= (NM_001276289.2, NM_001276290.1, NM_001278433.2 and 4 more transcripts).
Identifiers: ClinVar variation 709731 (VCV000709731.17), dbSNP rs199974368, ClinGen allele CA8729229.